The following is an entry in ClinVar:

NM_017868.4(TTC12):c.1316_1322del (p.Asp439fs)

Gene: TTC12 (tetratricopeptide repeat domain 12; plus strand). Cytogenetic location: 11q23.2.
Variant type: Deletion.
Coding change: c.1316_1322del on transcript NM_017868.4 (MANE Select); coding-DNA positions 1316 to 1322, 7 bases deleted (ATCCCAA; older notation c.1316_1322delATCCCAA).
Protein change: p.Asp439fs; shifts the reading frame from aspartic acid 439.
Molecular consequence: frameshift variant. On other transcripts: non-coding transcript variant (3).
Genome position (GRCh38, 1-based): chr11:113,352,077-113,352,083, ATCCCAA deleted. VCF-style (leftmost placement, unchanged base first): chr11-113352076-GATCCCAA-G. GRCh37 (hg19) VCF-style: chr11-113222798-GATCCCAA-G.
Other names: c.1334_1340del, p.Asp445fs (NM_001318533.2); c.1241_1247del, p.Asp414fs (NM_001352037.2); c.1319_1325del, p.Asp440fs (NM_001378063.1); c.1316_1322del, p.Asp439fs (NM_001378064.1, NM_001378065.1); short protein forms D414fs, D440fs, D445fs, D439fs.
Identifiers: ClinVar variation 4988198 (VCV004988198.1).

ClinVar aggregate classification (germline): Likely pathogenic (1 of 4 stars; one submission).

Conditions:
TTC12-related disorder. Also called: TTC12-related condition.

Submission:

PreventionGenetics, part of Exact Sciences
Classification: Likely pathogenic for TTC12-related condition. Last evaluated: 2026-06-11. Review status: criteria provided, single submitter. Criteria: ACMG Guidelines, 2015. Collection method: clinical testing. Allele origin: germline.
Comment: The TTC12 c.1334_1340del7 variant is predicted to result in a frameshift and premature protein termination (p.Asp445Glyfs*2). To our knowledge, this variant has not been reported in the literature. This variant is reported in 0.039% of alleles in individuals of Ashkenazi Jewish descent in gnomAD. Frameshift variants in TTC12 are expected to be pathogenic. This variant is interpreted as likely pathogenic.